The following is an entry in ClinVar:

ClinVar aggregate classification (germline): Conflicting classifications of pathogenicity. Review status: criteria provided, conflicting classifications (1 of 4 stars). 5 submissions from 5 submitters: Uncertain significance (1); Benign (1); Likely benign (3). Last evaluated 2026-01-19.

Conditions:
Hereditary cancer-predisposing syndrome. Also called: Neoplastic Syndromes, Hereditary; Hereditary Cancer Syndrome; Tumor predisposition; Hereditary neoplastic syndrome. Identifiers: Orphanet 140162, MedGen C0027672, MeSH D009386, MONDO:0015356.
Ataxia-telangiectasia syndrome (AT). Also called: LOUIS-BAR SYNDROME; Cerebello-oculocutaneous telangiectasia; Immunodeficiency with ataxia telangiectasia; Ataxia-telangiectasia, complementation group D; AT, COMPLEMENTATION GROUP C; Ataxia-telangiectasia, complementation group E. Identifiers: Orphanet 100, MedGen C0004135, MONDO:0008840, OMIM 208900.
Familial cancer of breast. Also called: Hereditary breast cancer; BREAST CANCER, FAMILIAL; hereditary breast carcinoma. Identifiers: Orphanet 227535, MedGen C0346153, MONDO:0016419, OMIM 114480. Disease mechanism: loss of function.

Allele frequency attached by ClinVar (database versions not stated): gnomAD exomes below 0.00001.
gnomAD v4.1: 2 of 1,614,172 alleles (0.00012%); highest among the groups gnomAD compares: Admixed American, 0.0017%; no homozygotes.

Submissions (5):

Labcorp Genetics (formerly Invitae), Labcorp
Classification: Likely benign for Ataxia-telangiectasia syndrome. Last evaluated: 2026-01-19. Review status: criteria provided, single submitter. Criteria: Invitae Variant Classification Sherloc (09022015). Collection method: clinical testing. Allele origin: germline.

Quest Diagnostics Nichols Institute San Juan Capistrano
Classification: Uncertain significance. Last evaluated: 2024-10-09. Review status: criteria provided, single submitter. Criteria: Quest Diagnostics criteria. Collection method: clinical testing. Allele origin: unknown.
Comment: The ATM c.9042A>G (p.Gln3014=) synonymous variant has not been reported in individuals with ATM-related conditions in the published literature. The frequency of this variant in the general population, 0.000004 (1/251452 chromosomes (Genome Aggregation Database)), is uninformative in the assessment of its pathogenicity. Analysis of this variant using software algorithms for the prediction of the effect of nucleotide changes on splicing yielded predictions that this variant does not affect ATM mRNA splicing. Based on the available information, we are unable to determine the clinical significance of this variant.

Myriad Genetics, Inc.
Classification: Benign for Familial cancer of breast. Last evaluated: 2024-06-24. Review status: criteria provided, single submitter. Criteria: Myriad Autosomal Dominant, Autosomal Recessive and X-Linked Classification Criteria (2023). Collection method: clinical testing. Allele origin: unknown.
Comment: This variant is considered benign. This variant is a silent/synonymous amino acid change and it is not expected to impact splicing.

Color Diagnostics, LLC DBA Color Health
Classification: Likely benign for Hereditary cancer-predisposing syndrome. Last evaluated: 2021-03-02. Review status: criteria provided, single submitter. Criteria: ACMG Guidelines, 2015. Collection method: clinical testing. Allele origin: germline.

Ambry Genetics
Classification: Likely benign for Hereditary cancer-predisposing syndrome. Last evaluated: 2016-02-22. Review status: criteria provided, single submitter. Criteria: Ambry Variant Classification Scheme 2023. Collection method: clinical testing. Allele origin: germline.

NM_000051.4(ATM):c.9042A>G (p.Gln3014=)

Genes: C11orf65 (chromosome 11 open reading frame 65; minus strand), ATM (ATM serine/threonine kinase; plus strand). Cytogenetic location: 11q22.3.
Variant type: single nucleotide variant.
Coding change: c.9042A>G on transcript NM_000051.4 (MANE Select); coding-DNA position 9042, A replaced by G.
Protein change: p.Gln3014=; no amino-acid change (glutamine 3014 retained).
Molecular consequence: synonymous variant. On other transcripts: intron variant (2).
Genome position (GRCh38, 1-based): chr11:108,365,379, A>G. VCF-style: chr11-108365379-A-G. GRCh37 (hg19) VCF-style: chr11-108236106-A-G.
Other names: c.9042A>G, p.Gln3014= (NM_001351834.2); c.640+20541T>C (NM_001330368.2); c.694+20541T>C (NM_001351110.2).
Identifiers: ClinVar variation 414576 (VCV000414576.20), dbSNP rs1060504291, ClinGen allele CA16613463.
Genomic context (GRCh38, chr11:108,365,379, plus strand): 5'-CCTTAGTGATATTGACCAGAGTTTCAACAAAGTAGCTGAACGTGTCTTAATGAGACTACA[A>G]GAGAAACTGAAAGGAGTGGAAGAAGGCACTGTGCTCAGTGTTGGTGGACAAGTGAATTTG-3'
Protein context (NP_000042.3, residues 3004-3024): KVAERVLMRL[Gln3014=]EKLKGVEEGT